The following is an entry in ClinVar:

ClinVar aggregate classification (germline): Pathogenic. Review status: criteria provided, multiple submitters, no conflicts (2 of 4 stars). 3 submissions from 3 submitters: Pathogenic (3). Last evaluated 2024-11-25.

Conditions:
Hereditary cancer-predisposing syndrome. Also called: Hereditary neoplastic syndrome; Tumor predisposition; Neoplastic Syndromes, Hereditary; Hereditary Cancer Syndrome. Identifiers: Orphanet 140162, MedGen C0027672, MeSH D009386, MONDO:0015356.
Familial cancer of breast. Also called: BREAST CANCER, FAMILIAL; Hereditary breast cancer; hereditary breast carcinoma. Identifiers: Orphanet 227535, MedGen C0346153, MONDO:0016419, OMIM 114480. Disease mechanism: loss of function.
Ataxia-telangiectasia syndrome (AT). Also called: Cerebello-oculocutaneous telangiectasia; Immunodeficiency with ataxia telangiectasia; Ataxia-telangiectasia; AT, COMPLEMENTATION GROUP C; Ataxia telangiectasia (A-T); LOUIS-BAR SYNDROME. Identifiers: Orphanet 100, MedGen C0004135, MONDO:0008840, OMIM 208900.

Submissions (3):

Labcorp Genetics (formerly Invitae), Labcorp
Classification: Pathogenic for Ataxia-telangiectasia syndrome. Last evaluated: 2024-11-25. Review status: criteria provided, single submitter. Criteria: Invitae Variant Classification Sherloc (09022015). Collection method: clinical testing. Allele origin: germline.
Comment: This sequence change creates a premature translational stop signal (p.Ile1581Alafs*20) in the ATM gene. It is expected to result in an absent or disrupted protein product. Loss-of-function variants in ATM are known to be pathogenic (PMID: 23807571, 25614872). This variant is not present in population databases (gnomAD no frequency). This premature translational stop signal has been observed in individual(s) with clinical features of ATM-related conditions (PMID: 33763779). ClinVar contains an entry for this variant (Variation ID: 1210357). For these reasons, this variant has been classified as Pathogenic.

Myriad Genetics, Inc.
Classification: Pathogenic for Familial cancer of breast. Last evaluated: 2024-01-24. Review status: criteria provided, single submitter. Criteria: Myriad Autosomal Dominant, Autosomal Recessive and X-Linked Classification Criteria (2023). Collection method: clinical testing. Allele origin: unknown.
Comment: This variant is considered pathogenic. This variant creates a frameshift predicted to result in premature protein truncation.

Ambry Genetics
Classification: Pathogenic for Hereditary cancer-predisposing syndrome. Last evaluated: 2023-01-04. Review status: criteria provided, single submitter. Criteria: Ambry Variant Classification Scheme 2023. Collection method: clinical testing. Allele origin: germline.
Comment: The c.4741_4742delATinsG pathogenic mutation, located in coding exon 30 of the ATM gene, results from the deletion of two nucleotides and insertion of one nucleotide causing a translational frameshift with a predicted alternate stop codon (p.I1581Afs*20). This variant is considered to be rare based on population cohorts in the Genome Aggregation Database (gnomAD). This alteration is expected to result in loss of function by premature protein truncation or nonsense-mediated mRNA decay. As such, this alteration is interpreted as a disease-causing mutation.

Literature cited by the submitters: PubMed 23807571 (cited by Labcorp Genetics (formerly Invitae), Labcorp); PubMed 25614872 (cited by Labcorp Genetics (formerly Invitae), Labcorp); PubMed 33763779 (cited by Labcorp Genetics (formerly Invitae), Labcorp).

NM_000051.4(ATM):c.4741_4742delinsG (p.Ile1581fs)

Gene: ATM (ATM serine/threonine kinase; plus strand). Cytogenetic location: 11q22.3.
Variant type: Indel.
Coding change: c.4741_4742delinsG on transcript NM_000051.4 (MANE Select); coding-DNA positions 4741 to 4742, AT replaced by G.
Protein change: p.Ile1581fs; shifts the reading frame from isoleucine 1581.
Molecular consequence: frameshift variant.
Genome position (GRCh38, 1-based): chr11:108,293,442-108,293,443, AT replaced by G. VCF-style: chr11-108293442-AT-G. GRCh37 (hg19) VCF-style: chr11-108164169-AT-G.
Other names: c.4741_4742delinsG, p.Ile1581fs (NM_001351834.2); short protein forms I1581fs.
Identifiers: ClinVar variation 2417451 (VCV002417451.8), dbSNP rs2546932012, ClinGen allele CA2580083420.